The following is an entry in ClinVar:

ClinVar aggregate classification (germline): Uncertain significance. Review status: criteria provided, multiple submitters, no conflicts (2 of 4 stars). 2 submissions from 2 submitters: Uncertain significance (2). Last evaluated 2024-03-20.

Conditions:
Donnai-Barrow syndrome. Also called: DBS/FOAR SYNDROME; FACIOOCULOACOUSTICORENAL SYNDROME. Identifiers: Orphanet 2143, MedGen C1857277, MONDO:0009104, OMIM 222448.

Allele frequency attached by ClinVar (database versions not stated): TOPMed below 0.00001; ExAC 0.00001; gnomAD exomes 0.00001.
gnomAD v4.1: 17 of 1,612,750 alleles (0.0011%); highest among the groups gnomAD compares: Non-Finnish European, 0.0014%; no homozygotes.

Submissions (2):

Fulgent Genetics
Classification: Uncertain significance for Donnai-Barrow syndrome. Last evaluated: 2024-03-20. Review status: criteria provided, single submitter. Criteria: ACMG Guidelines, 2015. Collection method: clinical testing. Allele origin: germline.

Labcorp Genetics (formerly Invitae), Labcorp
Classification: Uncertain significance. Last evaluated: 2022-07-12. Review status: criteria provided, single submitter. Criteria: Invitae Variant Classification Sherloc (09022015). Collection method: clinical testing. Allele origin: germline.
Comment: This sequence change replaces tryptophan, which is neutral and slightly polar, with glycine, which is neutral and non-polar, at codon 879 of the LRP2 protein (p.Trp879Gly). This variant is present in population databases (rs750471478, gnomAD 0.002%). This variant has not been reported in the literature in individuals affected with LRP2-related conditions. ClinVar contains an entry for this variant (Variation ID: 1447206). Advanced modeling of protein sequence and biophysical properties (such as structural, functional, and spatial information, amino acid conservation, physicochemical variation, residue mobility, and thermodynamic stability) performed at Invitae indicates that this missense variant is expected to disrupt LRP2 protein function. In summary, the available evidence is currently insufficient to determine the role of this variant in disease. Therefore, it has been classified as a Variant of Uncertain Significance.

NM_004525.3(LRP2):c.2635T>G (p.Trp879Gly)

Gene: LRP2 (LDL receptor related protein 2; minus strand). Cytogenetic location: 2q31.1.
Variant type: single nucleotide variant.
Coding change: c.2635T>G on transcript NM_004525.3 (MANE Select); coding-DNA position 2635, T replaced by G.
Protein change: p.Trp879Gly; replaces tryptophan 879 with glycine.
Molecular consequence: missense variant.
Genome position (GRCh38, 1-based): chr2:169,257,128, A>C on the plus strand (T>G on the coding strand, the complement: LRP2 is on the minus strand). VCF-style: chr2-169257128-A-C. GRCh37 (hg19) VCF-style: chr2-170113638-A-C.
Other names: c.2635T>G (NM_004525.2); short protein forms W879G.
Identifiers: ClinVar variation 1447206 (VCV001447206.7), dbSNP rs750471478, ClinGen allele CA1955251.
Genomic context (GRCh38, chr2:169,257,128, plus strand): 5'-TTATGTGTTCTGCAGTAAAAGAGAACTAAGTATCGGGGATGATGATTCCTACTTACGCCC[A>C]ATCGATGGCCAAGCCATTGGGCCATCCAAGAGTAGTGTTTATTACAGGCAAGAGGTGAGA-3'
Protein context (NP_004516.2, residues 869-889): LGWPNGLAID[Trp879Gly]AASRLYWVDA